The following is an entry in ClinVar:

ClinVar aggregate classification (germline): Benign/Likely benign. Review status: criteria provided, multiple submitters, no conflicts (2 of 4 stars). 3 submissions from 3 submitters: Benign (2); Likely benign (1). Last evaluated 2023-01-01.

Allele frequency attached by ClinVar (database versions not stated): 1000 Genomes Project 0.00180; 1000 Genomes Project 30x 0.00219; ESP Exome Variant Server 0.00269; TOPMed 0.00311; gnomAD 0.00325; ExAC 0.00463.
gnomAD v4.1: 5,503 of 1,515,980 alleles (0.36%); highest among the groups gnomAD compares: Admixed American, 0.93%; 20 homozygotes.

Submissions (3):

CeGaT Center for Human Genetics Tuebingen
Classification: Likely benign. Last evaluated: 2023-01-01. Review status: criteria provided, single submitter. Criteria: CeGaT Center For Human Genetics Tuebingen Variant Classification Criteria Version 2. Collection method: clinical testing. Allele origin: germline. Affected: yes. Observed: 1 variant allele.
Comment: IL1RL1: BP4, BS2

Labcorp Genetics (formerly Invitae), Labcorp
Classification: Benign. Last evaluated: 2018-08-15. Review status: criteria provided, single submitter. Criteria: Invitae Variant Classification Sherloc (09022015). Collection method: clinical testing. Allele origin: germline.

Breakthrough Genomics
Classification: Benign. Review status: criteria provided, single submitter. Criteria: ACMG Guidelines, 2015. Collection method: not provided. Allele origin: germline. Inheritance: Unknown mechanism. Affected: yes.

NM_016232.5(IL33R):c.985A>G (p.Ile329Val)

Gene: IL33R (interleukin 33 receptor; plus strand). Cytogenetic location: 2q12.1.
Variant type: single nucleotide variant.
Coding change: c.985A>G on transcript NM_016232.5 (MANE Select); coding-DNA position 985, A replaced by G.
Protein change: p.Ile329Val; replaces isoleucine 329 with valine.
Molecular consequence: missense variant.
Genome position (GRCh38, 1-based): chr2:102,347,959, A>G. VCF-style: chr2-102347959-A-G. GRCh37 (hg19) VCF-style: chr2-102964419-A-G.
Other names: short protein forms I329V.
Identifiers: ClinVar variation 711195 (VCV000711195.28), dbSNP rs112595294, ClinGen allele CA1809552.